The following is an entry in ClinVar:

ClinVar aggregate classification (germline): Uncertain significance (1 of 4 stars; one submission).

Conditions:
Fibrous dysplasia of jaw (CRBM). Also called: Cherubism. Identifiers: Orphanet 184, MedGen C0008029, MONDO:0007315, OMIM 118400.

Allele frequency attached by ClinVar (database versions not stated): gnomAD exomes below 0.00001 and 0.00001; ExAC 0.00002.

Submission:

Labcorp Genetics (formerly Invitae), Labcorp
Classification: Uncertain significance for Fibrous dysplasia of jaw. Last evaluated: 2024-07-30. Review status: criteria provided, single submitter. Criteria: Invitae Variant Classification Sherloc (09022015). Collection method: clinical testing. Allele origin: germline.
Comment: This sequence change replaces valine, which is neutral and non-polar, with glycine, which is neutral and non-polar, at codon 499 of the SH3BP2 protein (p.Val499Gly). This variant is present in population databases (rs751799854, gnomAD 0.002%). This variant has not been reported in the literature in individuals affected with SH3BP2-related conditions. ClinVar contains an entry for this variant (Variation ID: 1438311). Advanced modeling of protein sequence and biophysical properties (such as structural, functional, and spatial information, amino acid conservation, physicochemical variation, residue mobility, and thermodynamic stability) performed at Invitae indicates that this missense variant is not expected to disrupt SH3BP2 protein function with a negative predictive value of 80%. In summary, the available evidence is currently insufficient to determine the role of this variant in disease. Therefore, it has been classified as a Variant of Uncertain Significance.

NM_001122681.2(SH3BP2):c.1496T>G (p.Val499Gly)

Gene: SH3BP2 (SH3 domain binding protein 2; plus strand). Cytogenetic location: 4p16.3.
Variant type: single nucleotide variant.
Coding change: c.1496T>G on transcript NM_001122681.2 (MANE Select); coding-DNA position 1496, T replaced by G.
Protein change: p.Val499Gly; replaces valine 499 with glycine.
Molecular consequence: missense variant.
Genome position (GRCh38, 1-based): chr4:2,832,997, T>G. VCF-style: chr4-2832997-T-G. GRCh37 (hg19) VCF-style: chr4-2834724-T-G.
Other names: c.1580T>G, p.Val527Gly (NM_001145855.2); c.1667T>G, p.Val556Gly (NM_001145856.2); c.1496T>G, p.Val499Gly (NM_003023.4); short protein forms V556G, V499G, V527G.
Identifiers: ClinVar variation 1438311 (VCV001438311.6), dbSNP rs751799854, ClinGen allele CA2819596.